The following is an entry in ClinVar:

ClinVar aggregate classification (germline): Uncertain significance (1 of 4 stars; one submission).

Allele frequency attached by ClinVar (database versions not stated): gnomAD 0.00002 and 0.00005; TOPMed 0.00003; gnomAD exomes 0.00006; ExAC 0.00011.
gnomAD v4.1: 40 of 1,604,858 alleles (0.0025%); highest among the groups gnomAD compares: South Asian, 0.035%; 1 homozygote.

Submission:

Labcorp Genetics (formerly Invitae), Labcorp
Classification: Uncertain significance. Last evaluated: 2024-12-12. Review status: criteria provided, single submitter. Criteria: Invitae Variant Classification Sherloc (09022015). Collection method: clinical testing. Allele origin: germline.
Comment: This sequence change replaces proline, which is neutral and non-polar, with leucine, which is neutral and non-polar, at codon 27 of the SEMA4A protein (p.Pro27Leu). This variant is present in population databases (rs758898526, gnomAD 0.04%). This variant has not been reported in the literature in individuals affected with SEMA4A-related conditions. ClinVar contains an entry for this variant (Variation ID: 1051004). An algorithm developed to predict the effect of missense changes on protein structure and function outputs the following: PolyPhen-2: "Benign". The leucine amino acid residue is found in multiple mammalian species, which suggests that this missense change does not adversely affect protein function. In summary, the available evidence is currently insufficient to determine the role of this variant in disease. Therefore, it has been classified as a Variant of Uncertain Significance.

NM_022367.4(SEMA4A):c.80C>T (p.Pro27Leu)

Gene: SEMA4A (semaphorin 4A; plus strand). Cytogenetic location: 1q22.
Variant type: single nucleotide variant.
Coding change: c.80C>T on transcript NM_022367.4 (MANE Select); coding-DNA position 80, C replaced by T.
Protein change: p.Pro27Leu; replaces proline 27 with leucine.
Molecular consequence: missense variant. On other transcripts: 5 prime UTR variant (1), intron variant (3).
Genome position (GRCh38, 1-based): chr1:156,154,658, C>T. VCF-style: chr1-156154658-C-T. GRCh37 (hg19) VCF-style: chr1-156124449-C-T.
Other names: c.80C>T, p.Pro27Leu (NM_001193300.2, NM_001193301.2, NM_001370567.1); c.-445C>T (NM_001370571.1); c.-385-1756C>T (NM_001370569.1); c.-158-1756C>T (NM_001370568.1); c.-159+894C>T (NM_001193302.2); short protein forms P27L.
Identifiers: ClinVar variation 1051004 (VCV001051004.10), dbSNP rs758898526, ClinGen allele CA1154893.
Genomic context (GRCh38, chr1:156,154,658, plus strand): 5'-GCCTGGACCCCTGGAGCCTCCTGGGCCTTTTCCTCTTCCAACTGCTTCAGCTGCTGCTGC[C>T]GACGACGACCGCGGGGGGAGGCGGGCAGGGGCCCATGCCCAGGGTCAGATACTATGCAGG-3'
Protein context (NP_071762.2, residues 17-37): FLFQLLQLLL[Pro27Leu]TTTAGGGGQG